The following is an entry in ClinVar:

ClinVar aggregate classification (germline): Conflicting classifications of pathogenicity. Review status: criteria provided, conflicting classifications (1 of 4 stars). 5 submissions from 4 submitters: Uncertain significance (4); Benign (1). Last evaluated 2025-03-13.

Conditions:
Cardiovascular phenotype. Identifiers: MedGen CN230736.
Hereditary cancer-predisposing syndrome. Also called: Tumor predisposition; Hereditary Cancer Syndrome; Hereditary neoplastic syndrome; Neoplastic Syndromes, Hereditary. Identifiers: Orphanet 140162, MedGen C0027672, MeSH D009386, MONDO:0015356.
Neurofibromatosis, type 1 (NF1). Also called: VON RECKLINGHAUSEN DISEASE; NEUROFIBROMATOSIS, TYPE I, SOMATIC; Peripheral type neurofibromatosis; Neurofibromatosis, type I. Identifiers: Orphanet 636, MedGen C0027831, MONDO:0018975, OMIM 162200. Disease mechanism: loss of function.

gnomAD v4.1: 5 of 1,613,166 alleles (0.00031%); highest among the groups gnomAD compares: Non-Finnish European, 0.00034%; no homozygotes.

Submissions (5):

Labcorp Genetics (formerly Invitae), Labcorp
Classification: Benign for Neurofibromatosis, type 1. Last evaluated: 2025-03-13. Review status: criteria provided, single submitter. Criteria: Invitae Variant Classification Sherloc (09022015). Collection method: clinical testing. Allele origin: germline.

Ambry Genetics
Classification: Uncertain significance for Cardiovascular phenotype; Hereditary cancer-predisposing syndrome. Last evaluated: 2025-01-21. Review status: criteria provided, single submitter. Criteria: Ambry Variant Classification Scheme 2023. Collection method: clinical testing. Allele origin: germline.

Clinical Genetics Laboratory, Skane University Hospital Lund
Classification: Uncertain significance. Last evaluated: 2023-09-21. Review status: criteria provided, single submitter. Criteria: ACMG Guidelines, 2015. Collection method: clinical testing. Allele origin: germline. Affected: yes.

Genome-Nilou Lab
Classification: Uncertain significance for Neurofibromatosis, type 1. Last evaluated: 2022-03-15. Review status: criteria provided, single submitter. Criteria: ACMG Guidelines, 2015. Collection method: clinical testing. Allele origin: germline. Affected: no.

Ambry Genetics
Classification: Uncertain significance for Hereditary cancer-predisposing syndrome. Last evaluated: 2015-09-16. Review status: criteria provided, single submitter. Criteria: Ambry Autosomal Dominant and X-Linked criteria (10/2015). Collection method: clinical testing. Allele origin: germline. Observed: 1 variant allele.
Comment: The p.Q1723H variant (also known as c.5169A>T), located in coding exon 37 of the NF1 gene, results from an A to T substitution at nucleotide position 5169. The glutamine at codon 1723 is replaced by histidine, an amino acid with highly similar properties. This variant was not reported in population based cohorts in the following databases: Database of Single Nucleotide Polymorphisms (dbSNP), NHLBI Exome Sequencing Project (ESP), and 1000 Genomes Project. In the ESP, this variant was not observed in 6503 samples (13006 alleles) with coverage at this position. To date, this alteration has been detected with an allele frequency of approximately 0.002% (greater than 110000alleles tested) in our clinical cohort.This amino acid position is highly conserved in available vertebrate species. In addition, the in silico prediction for this alteration is inconclusive.Since supporting evidence is limited at this time, the clinical significance of p.Q1723Hremains unclear.

NM_001042492.3(NF1):c.5169A>T (p.Gln1723His)

Gene: NF1 (neurofibromin 1; plus strand). Cytogenetic location: 17q11.2.
Variant type: single nucleotide variant.
Coding change: c.5169A>T on transcript NM_001042492.3 (MANE Select); coding-DNA position 5169, A replaced by T.
Protein change: p.Gln1723His; replaces glutamine 1723 with histidine.
Molecular consequence: missense variant.
Genome position (GRCh38, 1-based): chr17:31,326,153, A>T. VCF-style: chr17-31326153-A-T. GRCh37 (hg19) VCF-style: chr17-29653171-A-T.
Other names: c.5106A>T, p.Gln1702His (NM_000267.4); short protein forms Q1702H, Q1723H.
Identifiers: ClinVar variation 233907 (VCV000233907.16), dbSNP rs864622372, ClinGen allele CA10580340.